The following is an entry in ClinVar:

NM_001614.5(ACTG1):c.439C>T (p.Arg147Cys)

Gene: ACTG1 (actin gamma 1; minus strand). Cytogenetic location: 17q25.3.
Variant type: single nucleotide variant.
Coding change: c.439C>T on transcript NM_001614.5 (MANE Select); coding-DNA position 439, C replaced by T.
Protein change: p.Arg147Cys; replaces arginine 147 with cysteine.
Molecular consequence: missense variant. On other transcripts: non-coding transcript variant (1).
Genome position (GRCh38, 1-based): chr17:81,511,551, G>A on the plus strand (C>T on the coding strand, the complement: ACTG1 is on the minus strand). VCF-style: chr17-81511551-G-A. GRCh37 (hg19) VCF-style: chr17-79478577-G-A.
Other names: c.439C>T, p.Arg147Cys (NM_001199954.3); short protein forms R147C.
Identifiers: ClinVar variation 1012294 (VCV001012294.2), dbSNP rs2031775804, ClinGen allele CA401461193.

ClinVar aggregate classification (germline): Likely pathogenic. Review status: criteria provided, single submitter (1 of 4 stars). 2 submissions from 2 submitters: Likely pathogenic (1). 1 of the submissions does not count toward it. Last evaluated 2025-06-05.

Conditions:
Baraitser-winter syndrome 2. Identifiers: Orphanet 2995, MedGen C3281235, MONDO:0013812, OMIM 614583.
Autosomal dominant nonsyndromic hearing loss 20. Identifiers: Orphanet 90635, MedGen C1858172, MONDO:0011480, OMIM 604717.

Submissions (2):

3billion
Classification: Likely pathogenic for Autosomal dominant nonsyndromic hearing loss 20. Last evaluated: 2025-06-05. Review status: criteria provided, single submitter. Criteria: ACMG Guidelines, 2015. Collection method: clinical testing. Allele origin: germline. Affected: yes.
Comment: The variant is not observed in the gnomAD v4.1.0 dataset. Predicted Consequence/Location: Missense variant. Missense changes are a common disease-causing mechanism. In silico tool predictions suggest damaging effect of the variant on gene or gene product [REVEL: 0.95 (>=0.6, sensitivity 0.68 and specificity 0.92); 3Cnet: 0.96 (> 0.75, sensitivity 0.96 and precision 0.92)]. The same nucleotide change resulting in the same amino acid change has been previously reported to be associated with ACTG1-related disorder (ClinVar ID: VCV001012294 /PMID: 33726816). A different missense change at the same codon (p.Arg147His) has been reported to be associated with ACTG1-related disorder (ClinVar ID: VCV001174523 /PMID: 34440452). Therefore, this variant is classified as Likely pathogenic according to the recommendation of ACMG/AMP guideline.

Cytogénomique, Hospices Civils de Lyon
Classification: Likely pathogenic for Baraitser-winter syndrome 2. Review status: no assertion criteria provided. Collection method: clinical testing. Allele origin: de novo. Inheritance: Autosomal dominant inheritance. Affected: yes. Not counted in ClinVar's aggregate classification.

Literature cited by the submitters: PubMed 33726816 (cited by 3billion); PubMed 34440452 (cited by 3billion).